The following is an entry in ClinVar:

ClinVar aggregate classification (germline): Uncertain significance (1 of 4 stars; one submission).

Conditions:
Epidermodysplasia verruciformis. Identifiers: Orphanet 302, MedGen C0014522, MONDO:0009176.

Allele frequency attached by ClinVar (database versions not stated): TOPMed 0.00002; ExAC 0.00004; gnomAD 0.00002.
gnomAD v4.1: 22 of 1,568,290 alleles (0.0014%); highest among the groups gnomAD compares: Admixed American, 0.0037%; no homozygotes.

Submission:

Labcorp Genetics (formerly Invitae), Labcorp
Classification: Uncertain significance for Epidermodysplasia verruciformis. Last evaluated: 2023-08-24. Review status: criteria provided, single submitter. Criteria: Invitae Variant Classification Sherloc (09022015). Collection method: clinical testing. Allele origin: germline.
Comment: This sequence change replaces aspartic acid, which is acidic and polar, with asparagine, which is neutral and polar, at codon 132 of the TMC6 protein (p.Asp132Asn). The frequency data for this variant in the population databases is considered unreliable, as metrics indicate poor data quality at this position in the gnomAD database. This variant has not been reported in the literature in individuals affected with TMC6-related conditions. In summary, the available evidence is currently insufficient to determine the role of this variant in disease. Therefore, it has been classified as a Variant of Uncertain Significance. An algorithm developed to predict the effect of missense changes on protein structure and function (PolyPhen-2) suggests that this variant is likely to be disruptive. ClinVar contains an entry for this variant (Variation ID: 1497151).

NM_001127198.5(TMC6):c.394G>A (p.Asp132Asn)

Gene: TMC6 (transmembrane channel like 6; minus strand). Cytogenetic location: 17q25.3.
Variant type: single nucleotide variant.
Coding change: c.394G>A on transcript NM_001127198.5 (MANE Select); coding-DNA position 394, G replaced by A.
Protein change: p.Asp132Asn; replaces aspartic acid 132 with asparagine.
Molecular consequence: missense variant. On other transcripts: non-coding transcript variant (4).
Genome position (GRCh38, 1-based): chr17:78,125,762, C>T on the plus strand (G>A on the coding strand, the complement: TMC6 is on the minus strand). VCF-style: chr17-78125762-C-T. GRCh37 (hg19) VCF-style: chr17-76121843-C-T.
Other names: c.394G>A, p.Asp132Asn (NM_001321185.1, NM_001374593.1, NM_001374594.1 and 4 more transcripts); short protein forms D132N.
Identifiers: ClinVar variation 1497151 (VCV001497151.4), dbSNP rs746535494, ClinGen allele CA8796142.